The following is an entry in ClinVar:

ClinVar aggregate classification (germline): Likely benign (1 of 4 stars; one submission).

Submission:

CeGaT Center for Human Genetics Tuebingen
Classification: Likely benign. Last evaluated: 2025-01-01. Review status: criteria provided, single submitter. Criteria: CeGaT Center For Human Genetics Tuebingen Variant Classification Criteria Version 2. Collection method: clinical testing. Allele origin: germline. Affected: yes. Observed: 1 variant allele.
Comment: HNRNPA1: BP4

NM_031157.4(HNRNPA1):c.1064-31_1064-24del

Gene: HNRNPA1 (heterogeneous nuclear ribonucleoprotein A1; plus strand). Cytogenetic location: 12q13.13.
Variant type: Deletion.
Coding change: c.1064-31_1064-24del on transcript NM_031157.4 (MANE Select); 31 bases into the intron before coding-DNA position 1064 through 24 bases into the intron before coding-DNA position 1064, 8 bases deleted (GAAACTTT; older notation c.1064-31_1064-24delGAAACTTT).
Molecular consequence: intron variant.
Genome position (GRCh38, 1-based): chr12:54,284,227-54,284,234, GAAACTTT deleted; deleting any 8 consecutive bases within chr12:54,284,222-54,284,234 gives the same sequence; the c. name uses the placement nearest the transcript's 3' end. VCF-style (leftmost placement, unchanged base first): chr12-54284221-CACTTTGAA-C. GRCh37 (hg19) VCF-style: chr12-54678005-CACTTTGAA-C.
Other names: c.908-31_908-24del (NM_002136.4).
Identifiers: ClinVar variation 3771593 (VCV003771593.13).